The following is an entry in ClinVar:

ClinVar aggregate classification (germline): Pathogenic. Review status: criteria provided, multiple submitters, no conflicts (2 of 4 stars). 2 submissions from 2 submitters: Pathogenic (2). Last evaluated 2022-09-06.

Conditions:
Cerebrooculofacioskeletal syndrome 4 (COFS4). Identifiers: MedGen C1853100, MONDO:0012554, OMIM 610758.

Allele frequency attached by ClinVar (database versions not stated): gnomAD 0.00001 and 0.00003; TOPMed 0.00001.
gnomAD v4.1: 11 of 1,572,510 alleles (0.0007%); highest among the groups gnomAD compares: Middle Eastern, 0.036%; no homozygotes.

Submissions (2):

Labcorp Genetics (formerly Invitae), Labcorp
Classification: Pathogenic. Last evaluated: 2022-09-06. Review status: criteria provided, single submitter. Criteria: Invitae Variant Classification Sherloc (09022015). Collection method: clinical testing. Allele origin: germline.
Comment: This variant is not present in population databases (gnomAD no frequency). This sequence change creates a premature translational stop signal (p.Arg41*) in the ERCC1 gene. It is expected to result in an absent or disrupted protein product. Loss-of-function variants in ERCC1 are known to be pathogenic (PMID: 17273966, 23623389, 33315086). This variant has not been reported in the literature in individuals affected with ERCC1-related conditions. For these reasons, this variant has been classified as Pathogenic. Algorithms developed to predict the effect of sequence changes on RNA splicing suggest that this variant may create or strengthen a splice site. ClinVar contains an entry for this variant (Variation ID: 1322828).

Revvity Omics, Revvity
Classification: Pathogenic for Cerebrooculofacioskeletal syndrome 4. Last evaluated: 2019-04-27. Review status: criteria provided, single submitter. Criteria: ACMG Guidelines, 2015. Collection method: clinical testing. Allele origin: germline.

Literature cited by the submitters: PubMed 17273966 (cited by Labcorp Genetics (formerly Invitae), Labcorp); PubMed 23623389 (cited by Labcorp Genetics (formerly Invitae), Labcorp); PubMed 33315086 (cited by Labcorp Genetics (formerly Invitae), Labcorp).

NM_001983.4(ERCC1):c.121C>T (p.Arg41Ter)

Gene: ERCC1 (ERCC excision repair 1, endonuclease non-catalytic subunit; minus strand). Cytogenetic location: 19q13.32.
Variant type: single nucleotide variant.
Coding change: c.121C>T on transcript NM_001983.4 (MANE Select); coding-DNA position 121, C replaced by T.
Protein change: p.Arg41Ter; replaces arginine 41 with a stop codon.
Molecular consequence: nonsense.
Genome position (GRCh38, 1-based): chr19:45,421,378, G>A on the plus strand (C>T on the coding strand, the complement: ERCC1 is on the minus strand). VCF-style: chr19-45421378-G-A. GRCh37 (hg19) VCF-style: chr19-45924636-G-A.
Other names: c.121C>T, p.Arg41Ter (NM_001166049.2, NM_001369408.1, NM_001369409.1 and 11 more transcripts); short protein forms R41*.
Identifiers: ClinVar variation 1322828 (VCV001322828.8), dbSNP rs867518898, ClinGen allele CA308945250.
Genomic context (GRCh38, chr19:45,421,378, plus strand): 5'-CGTAGGTCTGAGGGGCCGCCTGGGCCGAGGTGTCCACAGTGGGAAGGCTCTGTGTAGATC[G>A]GAATAAGGGCTTGGCCTGTGGGGAGAAAGGGAGTTTGCAGGGGACTGGTTGGGGTGAGCA-3'